The following is an entry in ClinVar:

NM_018006.5(TRMU):c.1062dup (p.Thr355fs)

Gene: TRMU (tRNA mitochondrial 2-thiouridylase; plus strand). Cytogenetic location: 22q13.31.
Variant type: Duplication.
Coding change: c.1062dup on transcript NM_018006.5 (MANE Select); coding-DNA position 1062, one base duplicated (G; older notation c.1062dupG).
Protein change: p.Thr355fs; shifts the reading frame from threonine 355.
Molecular consequence: frameshift variant. On other transcripts: non-coding transcript variant (2), intron variant (2).
Genome position (GRCh38, 1-based): chr22:46,356,033, G duplicated. VCF-style (leftmost placement, unchanged base first): chr22-46356032-T-TG. GRCh37 (hg19) VCF-style: chr22-46751929-T-TG.
Other names: c.*506dup (NM_001008568.2); c.*600dup (NM_001008570.2); c.720dup, p.Thr241fs (NM_001282782.2); c.642dup, p.Thr215fs (NM_001282783.2); c.1018+445dup (NM_001282785.2); c.598+445dup (NM_001282784.2); c.1062dup (NM_018006.4); short protein forms T241fs, T355fs, T215fs.
Identifiers: ClinVar variation 1937336 (VCV001937336.6), dbSNP rs1372867653, ClinGen allele CA639641413.

ClinVar aggregate classification (germline): Pathogenic/Likely pathogenic. Review status: criteria provided, multiple submitters, no conflicts (2 of 4 stars). 2 submissions from 2 submitters: Pathogenic (1); Likely pathogenic (1). Last evaluated 2024-09-27.

Conditions:
Acute infantile liver failure due to synthesis defect of mtDNA-encoded proteins. Also called: Liver failure acute infantile; LIVER FAILURE, INFANTILE, TRANSIENT; TRMU Deficiency. Identifiers: Orphanet 217371, MedGen C3278664, MONDO:0013111, OMIM 613070.

Allele frequency attached by ClinVar (database versions not stated): gnomAD exomes below 0.00001.

Submissions (2):

Natera, Inc.
Classification: Likely pathogenic for Acute infantile liver failure due to synthesis defect of mtDNA-encoded proteins. Last evaluated: 2024-09-27. Review status: criteria provided, single submitter. Criteria: Natera Variant Classification Schema (03/2026). Collection method: clinical testing. Allele origin: germline.
Comment: The c.1062dup variant in TRMU is a frameshift variant predicted to shift the reading frame beginning at codon 355 and leads to a stop codon 51 codons downstream. This variant is expected to result in nonsense mediated decay, truncation, or a dysfunctional protein product. This variant is rare in the general population with a frequency below the threshold expected for the associated phenotype(s). Given the available evidence, this variant is classified as Likely Pathogenic.

Labcorp Genetics (formerly Invitae), Labcorp
Classification: Pathogenic. Last evaluated: 2022-10-28. Review status: criteria provided, single submitter. Criteria: Invitae Variant Classification Sherloc (09022015). Collection method: clinical testing. Allele origin: germline.
Comment: This variant disrupts a region of the TRMU protein in which other variant(s) (c.1102-3C>G) have been determined to be pathogenic (PMID: 21931168). This suggests that this is a clinically significant region of the protein, and that variants that disrupt it are likely to be disease-causing. For these reasons, this variant has been classified as Pathogenic. This variant has not been reported in the literature in individuals affected with TRMU-related conditions. This variant is present in population databases (no rsID available, gnomAD 0.003%). This sequence change creates a premature translational stop signal (p.Thr355Aspfs*51) in the TRMU gene. While this is not anticipated to result in nonsense mediated decay, it is expected to disrupt the last 67 amino acid(s) of the TRMU protein.

Literature cited by the submitters: PubMed 21931168 (cited by Labcorp Genetics (formerly Invitae), Labcorp).